The following is an entry in ClinVar:

ClinVar aggregate classification (germline): Uncertain significance (1 of 4 stars; one submission).

Conditions:
Pseudo-TORCH syndrome 1 (PTORCH1). Identifiers: Orphanet 1229, MedGen C4552078, MONDO:0020789, OMIM 251290.

Allele frequency attached by ClinVar (database versions not stated): ExAC 0.00008; 1000 Genomes Project 0.00040; 1000 Genomes Project 30x 0.00047.

Submission:

Neuberg Centre For Genomic Medicine, NCGM
Classification: Uncertain significance for Pseudo-TORCH syndrome 1. Review status: criteria provided, single submitter. Criteria: ACMG Guidelines, 2015. Collection method: clinical testing. Allele origin: germline. Inheritance: Autosomal recessive inheritance. Affected: yes.
Comment: The missense variant in c.1216G>A in OCLN gene has not been reported previously as a pathogenic variant nor as a benign variant, to our knowledge. The p.Gly406Ser variant is reported with allele frequency of 0.006016% in gnomAD database. This variant has not been reported to the ClinVar database. The amino acid Gly at position 406 is changed to a Ser changing protein sequence and it might alter its composition and physico-chemical properties. The amino acid change p.Gly406Ser in OCLN is predicted as conserved by GERP++ and PhyloP across 100 vertebrates. For these reasons, this variant has been classified as Uncertain Significance (VUS).

NM_001205254.2(OCLN):c.1216G>A (p.Gly406Ser)

Gene: OCLN (occludin; plus strand). Cytogenetic location: 5q13.2.
Variant type: single nucleotide variant.
Coding change: c.1216G>A on transcript NM_001205254.2 (MANE Select); coding-DNA position 1216, G replaced by A.
Protein change: p.Gly406Ser; replaces glycine 406 with serine.
Molecular consequence: missense variant.
Genome position (GRCh38, 1-based): chr5:69,545,082, G>A. VCF-style: chr5-69545082-G-A. GRCh37 (hg19) VCF-style: chr5-68840909-G-A.
Other names: c.463G>A, p.Gly155Ser (NM_001205255.2); c.1054G>A, p.Gly352Ser (NM_001410743.1); c.1216G>A, p.Gly406Ser (NM_002538.4); short protein forms G352S, G406S, G155S.
Identifiers: ClinVar variation 2585630 (VCV002585630.1), dbSNP rs539541122, ClinGen allele CA3294594.
Genomic context (GRCh38, chr5:69,545,082, plus strand): 5'-AGAGCAGGAAGGTCAAAGAGAACAGAGCAAGATCACTATGAGACAGACTACACAACTGGC[G>A]GCGAGTCCTGTGATGAGCTGGAGGAGGACTGGATCAGGTACCGACTCAGCTCTCCTTTCC-3'
Protein context (NP_001192183.1, residues 396-416): DHYETDYTTG[Gly406Ser]ESCDELEEDW